The following is an entry in ClinVar:

NM_007294.4(BRCA1):c.5084_5087del (p.Phe1695fs)

Gene: BRCA1 (BRCA1 DNA repair associated; minus strand). Cytogenetic location: 17q21.31.
Variant type: Deletion.
Coding change: c.5084_5087del on transcript NM_007294.4 (MANE Select); coding-DNA positions 5084 to 5087, 4 bases deleted (TTGT; older notation c.5084_5087delTTGT).
Protein change: p.Phe1695fs; shifts the reading frame from phenylalanine 1695.
Molecular consequence: frameshift variant. On other transcripts: intron variant (2).
Genome position (GRCh38, 1-based): chr17:43,063,939-43,063,942, ACAA deleted on the plus strand (TTGT on the coding strand, the reverse complement: BRCA1 is on the minus strand); deleting any 4 consecutive bases within chr17:43,063,939-43,063,944 gives the same sequence; the c. name uses the placement nearest the transcript's 3' end. VCF-style (leftmost placement, unchanged base first): chr17-43063938-CACAA-C. GRCh37 (hg19) VCF-style: chr17-41215955-CACAA-C.
Other names: c.5084_5087delTTGT (NM_007294.3); c.4871_4874del, p.Phe1624fs (NM_001407571.1, NM_001407894.1, NM_001407895.1 and 12 more transcripts); c.5150_5153del, p.Phe1717fs (NM_001407581.1, NM_001407582.1); c.5147_5150del, p.Phe1716fs (NM_001407583.1, NM_001407585.1, NM_001407587.1 and 1 more transcripts); c.5144_5147del, p.Phe1715fs (NM_001407590.1, NM_001407591.1); c.5084_5087del, p.Phe1695fs (NM_001407593.1, NM_001407594.1, NM_001407596.1 and 7 more transcripts); c.5081_5084del, p.Phe1694fs (NM_001407610.1, NM_001407611.1, NM_001407612.1 and 17 more transcripts); c.5078_5081del, p.Phe1693fs (NM_001407627.1, NM_001407628.1, NM_001407629.1 and 14 more transcripts); and 75 more; short protein forms F1398fs, F1566fs, F1653fs, F1668fs, F1676fs, F1691fs, F1693fs, F415fs.
Identifiers: ClinVar variation 2824269 (VCV002824269.4), dbSNP rs2549560021, ClinGen allele CA2739265602.

ClinVar aggregate classification (germline): Pathogenic. Review status: criteria provided, multiple submitters, no conflicts (2 of 4 stars). 2 submissions from 2 submitters: Pathogenic (2). Last evaluated 2026-05-12.

Conditions:
Hereditary cancer-predisposing syndrome. Also called: Tumor predisposition; Hereditary neoplastic syndrome; Neoplastic Syndromes, Hereditary; Hereditary Cancer Syndrome. Identifiers: Orphanet 140162, MedGen C0027672, MeSH D009386, MONDO:0015356.
Hereditary breast ovarian cancer syndrome. Also called: BRCA1- and BRCA2-Associated Hereditary Breast and Ovarian Cancer; Hereditary breast and ovarian cancer syndrome; Breast and ovarian cancer; Hereditary breast and/or ovarian cancer syndrome; Hereditary breast and ovarian cancer syndrome (HBOC); Hereditary breast and ovarian cancer. Identifiers: Orphanet 145, MedGen C0677776, MeSH D061325, MONDO:0003582. Disease mechanism: loss of function.

Submissions (2):

Ambry Genetics
Classification: Pathogenic for Hereditary cancer-predisposing syndrome. Last evaluated: 2026-05-12. Review status: criteria provided, single submitter. Criteria: Ambry Variant Classification Scheme 2023. Collection method: clinical testing. Allele origin: germline.
Comment: The c.5084_5087delTTGT pathogenic mutation, located in coding exon 16 of the BRCA1 gene, results from a deletion of 4 nucleotides at nucleotide positions 5084 to 5087, causing a translational frameshift with a predicted alternate stop codon (p.F1695Cfs*6). This variant is considered to be rare based on population cohorts in the Genome Aggregation Database (gnomAD). This alteration is expected to result in loss of function by premature protein truncation or nonsense-mediated mRNA decay. As such, this alteration is interpreted as a disease-causing mutation.

Labcorp Genetics (formerly Invitae), Labcorp
Classification: Pathogenic for Hereditary breast ovarian cancer syndrome. Last evaluated: 2025-12-27. Review status: criteria provided, single submitter. Criteria: Invitae Variant Classification Sherloc (09022015). Collection method: clinical testing. Allele origin: germline.
Comment: This sequence change creates a premature translational stop signal (p.Phe1695Cysfs*6) in the BRCA1 gene. It is expected to result in an absent or disrupted protein product. Loss-of-function variants in BRCA1 are known to be pathogenic (PMID: 20104584). This variant is not present in population databases (gnomAD no frequency). This variant has not been reported in the literature in individuals affected with BRCA1-related conditions. ClinVar contains an entry for this variant (Variation ID: 2824269). Algorithms developed to predict the effect of sequence changes on RNA splicing suggest that this variant may disrupt the consensus splice site. For these reasons, this variant has been classified as Pathogenic.

Literature cited by the submitters: PubMed 20104584 (cited by Labcorp Genetics (formerly Invitae), Labcorp).